The following is an entry in ClinVar:

NM_032634.4(PIGO):c.2217del (p.Ser740fs)

Gene: PIGO (phosphatidylinositol glycan anchor biosynthesis class O; minus strand). Cytogenetic location: 9p13.3.
Variant type: Deletion.
Coding change: c.2217del on transcript NM_032634.4 (MANE Select); coding-DNA position 2217, one base deleted (A; older notation c.2217delA).
Protein change: p.Ser740fs; shifts the reading frame from serine 740.
Molecular consequence: frameshift variant. On other transcripts: intron variant (2).
Genome position (GRCh38, 1-based): chr9:35,091,670, T deleted on the plus strand (A on the coding strand, the reverse complement: PIGO is on the minus strand). VCF-style (leftmost placement, unchanged base first): chr9-35091669-AT-A. GRCh37 (hg19) VCF-style: chr9-35091666-AT-A.
Other names: c.1345-379del (NM_152850.4, NM_001201484.2); short protein forms S740fs.
Identifiers: ClinVar variation 2710215 (VCV002710215.3), dbSNP rs2490447870, ClinGen allele CA2697557701.

ClinVar aggregate classification (germline): Pathogenic (1 of 4 stars; one submission).

Conditions:
Hyperphosphatasia with impaired intellectual development syndrome 2. Also called: Hyperphosphatasia with intellectual disability syndrome 2; GLYCOSYLPHOSPHATIDYLINOSITOL BIOSYNTHESIS DEFECT 6. Identifiers: Orphanet 247262, MedGen C3553637, MONDO:0013882, OMIM 614749.

Submission:

Labcorp Genetics (formerly Invitae), Labcorp
Classification: Pathogenic for Hyperphosphatasia with impaired intellectual development syndrome 2. Last evaluated: 2023-06-10. Review status: criteria provided, single submitter. Criteria: Invitae Variant Classification Sherloc (09022015). Collection method: clinical testing. Allele origin: germline.
Comment: For these reasons, this variant has been classified as Pathogenic. This variant has not been reported in the literature in individuals affected with PIGO-related conditions. This variant is not present in population databases (gnomAD no frequency). This sequence change creates a premature translational stop signal (p.Ser740Profs*8) in the PIGO gene. It is expected to result in an absent or disrupted protein product. Loss-of-function variants in PIGO are known to be pathogenic (PMID: 22683086, 24417746).

Literature cited by the submitters: PubMed 22683086; PubMed 24417746.